The following is an entry in ClinVar:

ClinVar aggregate classification (germline): Pathogenic (1 of 4 stars; one submission).

Submission:

Labcorp Genetics (formerly Invitae), Labcorp
Classification: Pathogenic. Last evaluated: 2025-11-23. Review status: criteria provided, single submitter. Criteria: Invitae Variant Classification Sherloc (09022015). Collection method: clinical testing. Allele origin: germline.
Comment: This sequence change creates a premature translational stop signal (p.Pro1673Glnfs*3) in the KMT2A gene. It is expected to result in an absent or disrupted protein product. Loss-of-function variants in KMT2A are known to be pathogenic (PMID: 22795537, 25810209, 29574747). This variant is not present in population databases (gnomAD no frequency). This variant has not been reported in the literature in individuals affected with KMT2A-related conditions. For these reasons, this variant has been classified as Pathogenic.

Literature cited by the submitters: PubMed 22795537; PubMed 25810209; PubMed 29574747.

NM_001197104.2(KMT2A):c.5016del (p.Pro1673fs)

Gene: KMT2A (lysine methyltransferase 2A; plus strand). Cytogenetic location: 11q23.3.
Variant type: Deletion.
Coding change: c.5016del on transcript NM_001197104.2 (MANE Select); coding-DNA position 5016, one base deleted (T; older notation c.5016delT).
Protein change: p.Pro1673fs; shifts the reading frame from proline 1673.
Molecular consequence: frameshift variant.
Genome position (GRCh38, 1-based): chr11:118,493,068, T deleted. VCF-style (leftmost placement, unchanged base first): chr11-118493067-CT-C. GRCh37 (hg19) VCF-style: chr11-118363782-CT-C.
Other names: c.5106del, p.Pro1703fs (NM_001412597.1); c.5007del, p.Pro1670fs (NM_005933.4); short protein forms P1670fs, P1703fs, P1673fs.
Identifiers: ClinVar variation 4731802 (VCV004731802.1).
Genomic context (GRCh38, chr11:118,493,067, plus strand): 5'-CACCTTGGTTTTAGTGTTAGATAAAAGCAACATATCTTTCCTGGCAATAGGCTGCCAAGC[CT>C]CCAGACTTAAATCCCGAGACAGAGGAGAGTATACCTTCCCGCAGCTCCCCCGAAGGACCT-3'